The following is an entry in ClinVar:

NM_000535.7(PMS2):c.250A>C (p.Thr84Pro)

Gene: PMS2 (PMS1 homolog 2, mismatch repair system component; minus strand). Cytogenetic location: 7p22.1.
Variant type: single nucleotide variant.
Coding change: c.250A>C on transcript NM_000535.7 (MANE Select); coding-DNA position 250, A replaced by C.
Protein change: p.Thr84Pro; replaces threonine 84 with proline.
Molecular consequence: missense variant. On other transcripts: 5 prime UTR variant (9), non-coding transcript variant (1).
Genome position (GRCh38, 1-based): chr7:6,003,972, T>G on the plus strand (A>C on the coding strand, the complement: PMS2 is on the minus strand). VCF-style: chr7-6003972-T-G. GRCh37 (hg19) VCF-style: chr7-6043603-T-G.
Other names: c.-156A>C (NM_001322003.2, NM_001322004.2, NM_001322005.2 and 3 more transcripts); c.250A>C, p.Thr84Pro (NM_001322006.2, NM_001322014.2); c.35A>C, p.Asn12Thr (NM_001322007.2, NM_001322008.2); c.-635A>C (NM_001322011.2, NM_001322012.2); c.-235A>C (NM_001322015.2); short protein forms T84P, N12T.
Identifiers: ClinVar variation 480955 (VCV000480955.20), dbSNP rs1554304938, ClinGen allele CA366744743.

ClinVar aggregate classification (germline): Uncertain significance. Review status: criteria provided, multiple submitters, no conflicts (2 of 4 stars). 7 submissions from 7 submitters: Uncertain significance (7). Last evaluated 2025-02-07.

Conditions:
Lynch syndrome. Identifiers: Orphanet 144, MedGen C4552100, MONDO:0005835. Disease mechanism: loss of function.
Lynch syndrome 4 (LYNCH4). Also called: Colorectal cancer, hereditary nonpolyposis, type 4; Hereditary non-polyposis colorectal cancer, type 4. Identifiers: Orphanet 144, MedGen C1838333, MONDO:0013699, OMIM 614337. Disease mechanism: loss of function.
Hereditary nonpolyposis colorectal neoplasms. Identifiers: MedGen C0009405, MeSH D003123.
Hereditary cancer-predisposing syndrome. Also called: Hereditary Cancer Syndrome; Neoplastic Syndromes, Hereditary; Tumor predisposition; Hereditary neoplastic syndrome. Identifiers: Orphanet 140162, MedGen C0027672, MeSH D009386, MONDO:0015356.

Submissions (7):

Ambry Genetics
Classification: Uncertain significance for Hereditary cancer-predisposing syndrome. Last evaluated: 2025-02-07. Review status: criteria provided, single submitter. Criteria: Ambry Variant Classification Scheme 2023. Collection method: clinical testing. Allele origin: germline.
Comment: The p.T84P variant (also known as c.250A>C), located in coding exon 3 of the PMS2 gene, results from a A to C substitution at nucleotide position 250. The threonine at codon 84 is replaced by proline, an amino acid with highly similar properties. This change occurs in the last base pair of coding exon 3, which makes it likely to have some effect on normal mRNA splicing; however, RNA studies have demonstrated that this alteration does not result in abnormal splicing in the set of samples tested (Ambry internal data). This amino acid position is not well conserved in available vertebrate species. In addition, the in silico prediction for this alteration is inconclusive. Based on the available evidence, the clinical significance of this variant remains unclear.

Labcorp Genetics (formerly Invitae), Labcorp
Classification: Uncertain significance for Hereditary nonpolyposis colorectal neoplasms. Last evaluated: 2024-11-12. Review status: criteria provided, single submitter. Criteria: Invitae Variant Classification Sherloc (09022015). Collection method: clinical testing. Allele origin: germline.
Comment: This sequence change replaces threonine, which is neutral and polar, with proline, which is neutral and non-polar, at codon 84 of the PMS2 protein (p.Thr84Pro). This variant is not present in population databases (gnomAD no frequency). This missense change has been observed in individual(s) with breast cancer (PMID: 34646395). ClinVar contains an entry for this variant (Variation ID: 480955). Invitae Evidence Modeling incorporating data from in vitro experimental studies (internal data) indicates that this missense variant is not expected to disrupt PMS2 function with a negative predictive value of 95%. In summary, the available evidence is currently insufficient to determine the role of this variant in disease. Therefore, it has been classified as a Variant of Uncertain Significance.

All of Us Research Program, National Institutes of Health
Classification: Uncertain significance for Lynch syndrome. Last evaluated: 2024-07-20. Review status: criteria provided, single submitter. Criteria: ACMG Guidelines, 2015. Collection method: clinical testing. Allele origin: germline. Inheritance: Autosomal dominant inheritance. Observed: 3 variant alleles, 3 heterozygotes.
Comment: This missense variant replaces threonine with proline at codon 84 of the PMS2 protein. Computational prediction is inconclusive regarding the impact of this variant on protein structure and function (internally defined REVEL score threshold 0.5 < inconclusive < 0.7, PMID: 27666373). To our knowledge, functional studies have not been reported for this variant. This variant has been reported in a cohort of individuals affected with triple negative breast cancer (PMID: 34646395). This variant has not been identified in the general population by the Genome Aggregation Database (gnomAD). The available evidence is insufficient to determine the role of this variant in disease conclusively. Therefore, this variant is classified as a Variant of Uncertain Significance.

This study involves interpretation of variants in research participants for the purpose of population health screening. Participant phenotype was not available at the time of variant classification. Additional details can be found in publication PMID: 35346344, PMCID: PMC8962531

Color Diagnostics, LLC DBA Color Health
Classification: Uncertain significance for Hereditary cancer-predisposing syndrome. Last evaluated: 2024-06-13. Review status: criteria provided, single submitter. Criteria: ACMG Guidelines, 2015. Collection method: clinical testing. Allele origin: germline.
Comment: This missense variant replaces threonine with proline at codon 84 of the PMS2 protein. Computational prediction is inconclusive regarding the impact of this variant on protein structure and function. To our knowledge, functional studies have not been reported for this variant. This variant has been reported in a cohort of individuals affected with triple negative breast cancer (PMID: 34646395). This variant has not been identified in the general population by the Genome Aggregation Database (gnomAD). The available evidence is insufficient to determine the role of this variant in disease conclusively. Therefore, this variant is classified as a Variant of Uncertain Significance.

Baylor Genetics
Classification: Uncertain significance for Lynch syndrome 4. Last evaluated: 2024-01-20. Review status: criteria provided, single submitter. Criteria: ACMG Guidelines, 2015. Collection method: clinical testing. Allele origin: unknown.

GeneDx
Classification: Uncertain significance. Last evaluated: 2023-11-25. Review status: criteria provided, single submitter. Criteria: GeneDx Variant Classification Process June 2021. Collection method: clinical testing. Allele origin: germline. Affected: yes.
Comment: Not observed at significant frequency in large population cohorts (gnomAD); In silico analysis supports that this missense variant has a deleterious effect on protein structure/function; This variant is associated with the following publications: (PMID: 11574484, 34646395, 33471991)

Sema4
Classification: Uncertain significance for Hereditary cancer-predisposing syndrome. Last evaluated: 2022-02-26. Review status: criteria provided, single submitter. Criteria: Sema4 Curation Guidelines. Collection method: curation. Allele origin: germline.
Comment: To the best of our knowledge, the PMS2 c.250A>C (p.T84P) variant has not been reported in individuals with PMS2-related disease. It has been reported in a large case-control study of breast cancer in 0/60466 cases and 1/53461 controls (PMID: 33471991). It was not observed in the large and broad cohorts of the Genome Aggregation Database (PMID: 32461654). This variant has been reported in ClinVar (Variation ID 480955). Functional studies have not been performed, and in silico predictions of the variant's effect on protein function are inconclusive. The evidence is insufficient to meet ACMG/AMP criteria for classifying the variant as benign or pathogenic. Thus, the clinical significance of this variant is currently uncertain.

Literature cited by the submitters: PubMed 34646395 (cited by 4 submitters); PubMed 33471991 (cited by Sema4).